The following is an entry in ClinVar:

ClinVar aggregate classification (germline): Pathogenic (1 of 4 stars; one submission).

Submission:

Labcorp Genetics (formerly Invitae), Labcorp
Classification: Pathogenic. Last evaluated: 2020-08-07. Review status: criteria provided, single submitter. Criteria: Invitae Variant Classification Sherloc (09022015). Collection method: clinical testing. Allele origin: germline.
Comment: For these reasons, this variant has been classified as Pathogenic. Loss-of-function variants in CYP11B2 are known to be pathogenic (PMID: 20494601, 22801770, 26936515). This variant has not been reported in the literature in individuals with CYP11B2-related conditions. This variant is not present in population databases (ExAC no frequency). This sequence change creates a premature translational stop signal (p.Pro115Argfs*19) in the CYP11B2 gene. It is expected to result in an absent or disrupted protein product.

Literature cited by the submitters: PubMed 20494601; PubMed 22801770; PubMed 26936515.

NM_000498.3(CYP11B2):c.342_343dup (p.Pro115fs)

Genes: CYP11B2 (cytochrome P450 family 11 subfamily B member 2; minus strand), LOC106799834 (CYP11B2 recombination region; plus strand). Cytogenetic location: 8q24.3.
Variant type: Duplication.
Coding change: c.342_343dup on transcript NM_000498.3 (MANE Select); coding-DNA positions 342 to 343, 2 bases duplicated (GC; older notation c.342_343dupGC).
Protein change: p.Pro115fs; shifts the reading frame from proline 115.
Molecular consequence: frameshift variant.
Genome position (GRCh38, 1-based): chr8:142,917,111-142,917,112, GC duplicated on the plus strand (GC on the coding strand, the reverse complement: CYP11B2 is on the minus strand). VCF-style (leftmost placement, unchanged base first): chr8-142917110-G-GGC. GRCh37 (hg19) VCF-style: chr8-143998526-G-GGC.
Other names: short protein forms P115fs.
Identifiers: ClinVar variation 1071836 (VCV001071836.7), dbSNP rs2130335040, ClinGen allele CA2499219143.